The following is an entry in ClinVar:

ClinVar aggregate classification (germline): Uncertain significance (1 of 4 stars; one submission).

Conditions:
Developmental and epileptic encephalopathy, 12 (DEE12). Identifiers: MedGen C3150988, MONDO:0013389, OMIM 613722.

Submission:

Labcorp Genetics (formerly Invitae), Labcorp
Classification: Uncertain significance for Developmental and epileptic encephalopathy, 12. Last evaluated: 2020-10-09. Review status: criteria provided, single submitter. Criteria: Invitae Variant Classification Sherloc (09022015). Collection method: clinical testing. Allele origin: germline.
Comment: This sequence change replaces arginine with serine at codon 1132 of the PLCB1 protein (p.Arg1132Ser). The arginine residue is moderately conserved and there is a moderate physicochemical difference between arginine and serine. This variant is not present in population databases (ExAC no frequency). This variant has not been reported in the literature in individuals with PLCB1-related conditions. Algorithms developed to predict the effect of missense changes on protein structure and function are either unavailable or do not agree on the potential impact of this missense change (SIFT: "Tolerated"; PolyPhen-2: "Possibly Damaging"; Align-GVGD: "Class C0"). In summary, the available evidence is currently insufficient to determine the role of this variant in disease. Therefore, it has been classified as a Variant of Uncertain Significance.

NM_015192.4(PLCB1):c.3394C>A (p.Arg1132Ser)

Gene: PLCB1 (phospholipase C beta 1; plus strand). Cytogenetic location: 20p12.3.
Variant type: single nucleotide variant.
Coding change: c.3394C>A on transcript NM_015192.4 (MANE Select); coding-DNA position 3394, C replaced by A.
Protein change: p.Arg1132Ser; replaces arginine 1132 with serine.
Molecular consequence: missense variant.
Genome position (GRCh38, 1-based): chr20:8,790,232, C>A. VCF-style: chr20-8790232-C-A. GRCh37 (hg19) VCF-style: chr20-8770879-C-A.
Other names: c.3394C>A, p.Arg1132Ser (NM_182734.3); short protein forms R1132S.
Identifiers: ClinVar variation 1023593 (VCV001023593.9), dbSNP rs755357721, ClinGen allele CA408210135.
Genomic context (GRCh38, chr20:8,790,232, plus strand): 5'-TAGCTAGAAGAAGCGCAAAGTAAACGGCAAGAAAAACTCGTAGAGAAACACAAGGAAATA[C>A]GTCAGCAGATCCTGGATGAAAAGCCCAAGGTAAACGGAACTGAATTAAAATGAACAATTA-3'
Protein context (NP_056007.1, residues 1122-1142): EKLVEKHKEI[Arg1132Ser]QQILDEKPKL